The following is an entry in ClinVar:

ClinVar aggregate classification (germline): Pathogenic (1 of 4 stars; one submission).

Conditions:
LAMA2-related muscular dystrophy (LAMA2-RD). Also called: Laminin alpha 2-related dystrophy. Identifiers: MedGen C5679788, MONDO:0100228.

gnomAD v4.1: 1 of 1,611,742 alleles (0.000062%); highest among the groups gnomAD compares: East Asian, 0.0022%; no homozygotes.

Submission:

Labcorp Genetics (formerly Invitae), Labcorp
Classification: Pathogenic for LAMA2-related muscular dystrophy. Last evaluated: 2024-06-19. Review status: criteria provided, single submitter. Criteria: Invitae Variant Classification Sherloc (09022015). Collection method: clinical testing. Allele origin: germline.
Comment: This sequence change creates a premature translational stop signal (p.Trp2357*) in the LAMA2 gene. It is expected to result in an absent or disrupted protein product. Loss-of-function variants in LAMA2 are known to be pathogenic (PMID: 18700894, 32904964). This variant is present in population databases (rs761714859, gnomAD 0.006%). This premature translational stop signal has been observed in individual(s) with congenital muscular dystrophy (PMID: 27447704). ClinVar contains an entry for this variant (Variation ID: 1356883). For these reasons, this variant has been classified as Pathogenic.

Literature cited by the submitters: PubMed 18700894; PubMed 32904964; PubMed 27447704.

NM_000426.4(LAMA2):c.7070G>A (p.Trp2357Ter)

Gene: LAMA2 (laminin subunit alpha 2; plus strand). Cytogenetic location: 6q22.33.
Variant type: single nucleotide variant.
Coding change: c.7070G>A on transcript NM_000426.4 (MANE Select); coding-DNA position 7070, G replaced by A.
Protein change: p.Trp2357Ter; replaces tryptophan 2357 with a stop codon.
Molecular consequence: nonsense.
Genome position (GRCh38, 1-based): chr6:129,464,367, G>A. VCF-style: chr6-129464367-G-A. GRCh37 (hg19) VCF-style: chr6-129785512-G-A.
Other names: c.7070G>A, p.Trp2357Ter (NM_001079823.2); short protein forms W2357*.
Identifiers: ClinVar variation 1356883 (VCV001356883.8), dbSNP rs761714859, ClinGen allele CA3994434.